The following is an entry in ClinVar:

ClinVar aggregate classification (germline): Uncertain significance. Review status: criteria provided, multiple submitters, no conflicts (2 of 4 stars). 3 submissions from 3 submitters: Uncertain significance (3). Last evaluated 2024-11-21.

Conditions:
Arrhythmogenic right ventricular dysplasia 13. Also called: Arrhythmogenic right ventricular dysplasia, familial, 13; ARRHYTHMOGENIC RIGHT VENTRICULAR CARDIOMYOPATHY 13. Identifiers: MedGen C3810138, MONDO:0000908, OMIM 615616.

Allele frequency attached by ClinVar (database versions not stated): ESP Exome Variant Server 0.00008; 1000 Genomes Project 0.00020; 1000 Genomes Project 30x 0.00031.

Submissions (3):

Blueprint Genetics
Classification: Uncertain significance. Last evaluated: 2024-11-21. Review status: criteria provided, single submitter. Criteria: ACMG Guidelines, 2015. Collection method: clinical testing. Allele origin: germline.

Labcorp Genetics (formerly Invitae), Labcorp
Classification: Uncertain significance for Arrhythmogenic right ventricular dysplasia 13. Last evaluated: 2024-11-02. Review status: criteria provided, single submitter. Criteria: Invitae Variant Classification Sherloc (09022015). Collection method: clinical testing. Allele origin: germline.
Comment: This sequence change replaces arginine, which is basic and polar, with cysteine, which is neutral and slightly polar, at codon 336 of the CTNNA3 protein (p.Arg336Cys). This variant is present in population databases (rs375721994, gnomAD 0.01%). This variant has not been reported in the literature in individuals affected with CTNNA3-related conditions. ClinVar contains an entry for this variant (Variation ID: 1503344). Invitae Evidence Modeling of protein sequence and biophysical properties (such as structural, functional, and spatial information, amino acid conservation, physicochemical variation, residue mobility, and thermodynamic stability) indicates that this missense variant is expected to disrupt CTNNA3 protein function with a positive predictive value of 80%. In summary, the available evidence is currently insufficient to determine the role of this variant in disease. Therefore, it has been classified as a Variant of Uncertain Significance.

Ambry Genetics
Classification: Uncertain significance. Last evaluated: 2021-11-19. Review status: criteria provided, single submitter. Criteria: Ambry Variant Classification Scheme 2023. Collection method: clinical testing. Allele origin: germline.
Comment: The p.R336C variant (also known as c.1006C>T), located in coding exon 6 of the CTNNA3 gene, results from a C to T substitution at nucleotide position 1006. The arginine at codon 336 is replaced by cysteine, an amino acid with highly dissimilar properties. This amino acid position is conserved. In addition, this alteration is predicted to be deleterious by in silico analysis. Since supporting evidence is limited at this time, the clinical significance of this alteration remains unclear.

NM_013266.4(CTNNA3):c.1006C>T (p.Arg336Cys)

Gene: CTNNA3 (catenin alpha 3; minus strand). Cytogenetic location: 10q21.3.
Variant type: single nucleotide variant.
Coding change: c.1006C>T on transcript NM_013266.4 (MANE Select); coding-DNA position 1006, C replaced by T.
Protein change: p.Arg336Cys; replaces arginine 336 with cysteine.
Molecular consequence: missense variant.
Genome position (GRCh38, 1-based): chr10:67,180,358, G>A on the plus strand (C>T on the coding strand, the complement: CTNNA3 is on the minus strand). VCF-style: chr10-67180358-G-A. GRCh37 (hg19) VCF-style: chr10-68940116-G-A.
Other names: c.1006C>T, p.Arg336Cys (NM_001127384.3); c.1042C>T, p.Arg348Cys (NM_001291133.2); short protein forms R336C, R348C.
Identifiers: ClinVar variation 1503344 (VCV001503344.9), dbSNP rs375721994, ClinGen allele CA5520426.